The following is an entry in ClinVar:

ClinVar aggregate classification (germline): Benign (1 of 4 stars; one submission).

Conditions:
Leigh syndrome (NULS). Also called: Leigh's necrotizing encephalopathy; Leigh's disease; Leigh Syndrome (mtDNA deletion); Leigh Disease; Subacute necrotizing encephalopathy; Necrotizing encephalopathy infantile subacute of Leigh. Identifiers: Orphanet 506, MedGen C2931891, MONDO:0009723, OMIM 256000.

Submission:

Wong Mito Lab, Molecular and Human Genetics, Baylor College of Medicine
Classification: Benign for Leigh syndrome. Last evaluated: 2019-10-17. Review status: criteria provided, single submitter. Criteria: Modified ACMG Guidelines (Unpublished). Collection method: clinical testing. Allele origin: germline.
Comment: The NC_012920.1:m.13594A>G (YP_003024036.1:p.Ser420Gly) variant in MTND5 gene is interpretated to be a Benign variant based on the modified ACMG guidelines (unpublished). This variant meets the following evidence codes: BS1, BS4, BP4

NC_012920.1(MT-ND5):m.13594A>G

Gene: MT-ND5 (mitochondrially encoded NADH dehydrogenase 5; plus strand).
Variant type: single nucleotide variant.
Genome position: chrM-13594-A-G.
Identifiers: ClinVar variation 693577 (VCV000693577.1), dbSNP rs1603224251, ClinGen allele CA414818677.